The following is an entry in ClinVar:

NM_177438.3(DICER1):c.2614G>T (p.Ala872Ser)

Gene: DICER1 (dicer 1, ribonuclease III; minus strand). Cytogenetic location: 14q32.13.
Variant type: single nucleotide variant.
Coding change: c.2614G>T on transcript NM_177438.3 (MANE Select); coding-DNA position 2614, G replaced by T.
Protein change: p.Ala872Ser; replaces alanine 872 with serine.
Molecular consequence: missense variant. On other transcripts: non-coding transcript variant (6).
Genome position (GRCh38, 1-based): chr14:95,107,916, C>A on the plus strand (G>T on the coding strand, the complement: DICER1 is on the minus strand). VCF-style: chr14-95107916-C-A. GRCh37 (hg19) VCF-style: chr14-95574253-C-A.
Other names: c.2614G>T, p.Ala872Ser (NM_001195573.1, NM_001271282.3, NM_001291628.2 and 12 more transcripts); c.2332G>T, p.Ala778Ser (NM_001395686.1); c.2209G>T, p.Ala737Ser (NM_001395687.1, NM_001395688.1, NM_001395689.1 and 2 more transcripts); c.2047G>T, p.Ala683Ser (NM_001395691.1); c.931G>T, p.Ala311Ser (NM_001395697.1); short protein forms A311S, A872S, A683S, A737S, A778S.
Identifiers: ClinVar variation 3839992 (VCV003839992.1).

ClinVar aggregate classification (germline): Uncertain significance (1 of 4 stars; one submission).

Conditions:
Hereditary cancer-predisposing syndrome. Also called: Hereditary neoplastic syndrome; Neoplastic Syndromes, Hereditary; Tumor predisposition; Hereditary Cancer Syndrome. Identifiers: Orphanet 140162, MedGen C0027672, MeSH D009386, MONDO:0015356.

Submission:

Ambry Genetics
Classification: Uncertain significance for Hereditary cancer-predisposing syndrome. Last evaluated: 2025-01-03. Review status: criteria provided, single submitter. Criteria: Ambry Variant Classification Scheme 2023. Collection method: clinical testing. Allele origin: germline.
Comment: The p.A872S variant (also known as c.2614G>T), located in coding exon 15 of the DICER1 gene, results from a G to T substitution at nucleotide position 2614. The alanine at codon 872 is replaced by serine, an amino acid with similar properties. This amino acid position is highly conserved in available vertebrate species. In addition, the in silico prediction for this alteration is inconclusive. Based on the available evidence, the clinical significance of this variant remains unclear.